The following is an entry in ClinVar:

NM_145893.3(RBFOX1):c.74C>T (p.Pro25Leu)

Gene: RBFOX1 (RNA binding fox-1 homolog 1; plus strand). Cytogenetic location: 16p13.3.
Variant type: single nucleotide variant.
Coding change: c.74C>T on transcript NM_145893.3 (MANE Plus Clinical); coding-DNA position 74, C replaced by T.
Protein change: p.Pro25Leu; replaces proline 25 with leucine.
Molecular consequence: missense variant. On other transcripts: intron variant (5).
Genome position (GRCh38, 1-based): chr16:7,333,075, C>T. VCF-style: chr16-7333075-C-T. GRCh37 (hg19) VCF-style: chr16-7383076-C-T.
Other names: c.74C>T, p.Pro25Leu (NM_145891.3, NM_145892.3); c.28-185072C>T (NM_001364800.2, NM_018723.4, NM_001142333.2 and 1 more transcripts); c.157-185072C>T (NM_001308117.1); short protein forms P25L.
Identifiers: ClinVar variation 1021443 (VCV001021443.9), dbSNP rs998828744, ClinGen allele CA277902534.

ClinVar aggregate classification (germline): Uncertain significance (1 of 4 stars; one submission).

Conditions:
Idiopathic generalized epilepsy. Also called: EIG; Generalised epilepsy. Identifiers: MedGen C0270850, MONDO:0005579, OMIM 600669.

Allele frequency attached by ClinVar (database versions not stated): gnomAD exomes below 0.00001; gnomAD 0.00001; TOPMed 0.00001.
gnomAD v4.1: 8 of 1,613,750 alleles (0.0005%); highest among the groups gnomAD compares: Middle Eastern, 0.066%; no homozygotes.

Submission:

Labcorp Genetics (formerly Invitae), Labcorp
Classification: Uncertain significance for Idiopathic generalized epilepsy. Last evaluated: 2024-08-04. Review status: criteria provided, single submitter. Criteria: Invitae Variant Classification Sherloc (09022015). Collection method: clinical testing. Allele origin: germline.
Comment: This sequence change replaces proline, which is neutral and non-polar, with leucine, which is neutral and non-polar, at codon 25 of the RBFOX1 protein (p.Pro25Leu). This variant is not present in population databases (gnomAD no frequency). This variant has not been reported in the literature in individuals affected with RBFOX1-related conditions. ClinVar contains an entry for this variant (Variation ID: 1021443). An algorithm developed to predict the effect of missense changes on protein structure and function (PolyPhen-2) suggests that this variant is likely to be tolerated. In summary, the available evidence is currently insufficient to determine the role of this variant in disease. Therefore, it has been classified as a Variant of Uncertain Significance.